The following is an entry in ClinVar:

NM_000142.5(FGFR3):c.349G>A (p.Val117Ile)

Gene: FGFR3 (fibroblast growth factor receptor 3; plus strand). Cytogenetic location: 4p16.3.
Variant type: single nucleotide variant.
Coding change: c.349G>A on transcript NM_000142.5 (MANE Select); coding-DNA position 349, G replaced by A.
Protein change: p.Val117Ile; replaces valine 117 with isoleucine.
Molecular consequence: missense variant. On other transcripts: non-coding transcript variant (1).
Genome position (GRCh38, 1-based): chr4:1,799,493, G>A. VCF-style: chr4-1799493-G-A. GRCh37 (hg19) VCF-style: chr4-1801220-G-A.
Other names: c.349G>A (NM_000142.4); c.349G>A, p.Val117Ile (NM_001163213.2, NM_001354809.2, NM_001354810.2 and 1 more transcripts); short protein forms V117I.
Identifiers: ClinVar variation 1679995 (VCV001679995.7), dbSNP rs554790290, ClinGen allele CA2809774.
Genomic context (GRCh38, chr4:1,799,493, plus strand): 5'-CTGAATGCCTCCCACGAGGACTCCGGGGCCTACAGCTGCCGGCAGCGGCTCACGCAGCGC[G>A]TACTGTGCCACTTCAGTGTGCGGGTGACAGGTGAGCTCTGGGGCCACGCCAGCTACAGAA-3'
Protein context (NP_000133.1, residues 107-127): YSCRQRLTQR[Val117Ile]LCHFSVRVTD

ClinVar aggregate classification (germline): Conflicting classifications of pathogenicity. Review status: criteria provided, conflicting classifications (1 of 4 stars). 2 submissions from 2 submitters: Uncertain significance (1); Likely benign (1). Last evaluated 2026-02-03.

Conditions:
FGFR3-related disorder. Also called: FGFR3-related disorders.

Allele frequency attached by ClinVar (database versions not stated): TOPMed 0.00003; ExAC 0.00008; 1000 Genomes Project 30x 0.00016; 1000 Genomes Project 0.00020.
gnomAD v4.1: 40 of 1,567,608 alleles (0.0026%); highest among the groups gnomAD compares: East Asian, 0.014%; no homozygotes.

Submissions (2):

PreventionGenetics, part of Exact Sciences
Classification: Uncertain significance for FGFR3-related condition. Last evaluated: 2026-02-03. Review status: criteria provided, single submitter. Criteria: ACMG Guidelines, 2015. Collection method: clinical testing. Allele origin: germline.
Comment: The FGFR3 c.349G>A variant is predicted to result in the amino acid substitution p.Val117Ile. To our knowledge, this variant has not been reported in the literature. This variant is reported in 0.029% of alleles in individuals of East Asian descent in gnomAD. At this time, the clinical significance of this variant is uncertain due to the absence of conclusive functional and genetic evidence.

Labcorp Genetics (formerly Invitae), Labcorp
Classification: Likely benign. Last evaluated: 2025-10-01. Review status: criteria provided, single submitter. Criteria: Invitae Variant Classification Sherloc (09022015). Collection method: clinical testing. Allele origin: germline.